The following is an entry in ClinVar:

NM_000238.4(KCNH2):c.3374C>T (p.Pro1125Leu)

Gene: KCNH2 (potassium voltage-gated channel subfamily H member 2; minus strand). Cytogenetic location: 7q36.1.
Variant type: single nucleotide variant.
Coding change: c.3374C>T on transcript NM_000238.4 (MANE Select); coding-DNA position 3374, C replaced by T.
Protein change: p.Pro1125Leu; replaces proline 1125 with leucine.
Molecular consequence: missense variant. On other transcripts: non-coding transcript variant (2).
Genome position (GRCh38, 1-based): chr7:150,945,471, G>A on the plus strand (C>T on the coding strand, the complement: KCNH2 is on the minus strand). VCF-style: chr7-150945471-G-A. GRCh37 (hg19) VCF-style: chr7-150642559-G-A.
Other names: c.3086C>T, p.Pro1029Leu (NM_001406753.1); c.2354C>T, p.Pro785Leu (NM_172057.3); short protein forms P1029L, P1125L, P785L.
Identifiers: ClinVar variation 3074738 (VCV003074738.2), dbSNP rs2485995090, ClinGen allele CA369851542.

ClinVar aggregate classification (germline): Uncertain significance. Review status: criteria provided, multiple submitters, no conflicts (2 of 4 stars). 2 submissions from 2 submitters: Uncertain significance (2). Last evaluated 2025-05-28.

Conditions:
Long QT syndrome (LQTS). Identifiers: MedGen C0023976, MeSH D008133, MONDO:0002442. Disease mechanism: loss of function. Inheritance: Various modes of inheritance.

Submissions (2):

Labcorp Genetics (formerly Invitae), Labcorp
Classification: Uncertain significance for Long QT syndrome. Last evaluated: 2025-05-28. Review status: criteria provided, single submitter. Criteria: Invitae Variant Classification Sherloc (09022015). Collection method: clinical testing. Allele origin: germline.
Comment: This sequence change replaces proline, which is neutral and non-polar, with leucine, which is neutral and non-polar, at codon 1125 of the KCNH2 protein (p.Pro1125Leu). This variant is not present in population databases (gnomAD no frequency). This variant has not been reported in the literature in individuals affected with KCNH2-related conditions. ClinVar contains an entry for this variant (Variation ID: 3074738). An algorithm developed to predict the effect of missense changes on protein structure and function (PolyPhen-2) suggests that this variant is likely to be tolerated. In summary, the available evidence is currently insufficient to determine the role of this variant in disease. Therefore, it has been classified as a Variant of Uncertain Significance.

All of Us Research Program, National Institutes of Health
Classification: Uncertain significance for Long QT syndrome. Last evaluated: 2023-12-13. Review status: criteria provided, single submitter. Criteria: ACMG Guidelines, 2015. Collection method: clinical testing. Allele origin: germline. Inheritance: Autosomal dominant inheritance. Observed: 1 variant allele, 1 heterozygote.
Comment: This missense variant replaces proline with leucine at codon 1125 of the KCNH2 protein. Computational prediction suggests that this variant may not impact protein structure and function (internally defined REVEL score threshold <= 0.5, PMID: 27666373). To our knowledge, functional studies have not been reported for this variant. This variant has not been reported in individuals affected with KCNH2-related disorders in the literature. This variant has not been identified in the general population by the Genome Aggregation Database (gnomAD). The available evidence is insufficient to determine the role of this variant in disease conclusively. Therefore, this variant is classified as a Variant of Uncertain Significance.

This study involves interpretation of variants in research participants for the purpose of population health screening. Participant phenotype was not available at the time of variant classification. Additional details can be found in publication PMID: 35346344, PMCID: PMC8962531